The following is an entry in ClinVar:

ClinVar aggregate classification (germline): Likely benign. Review status: criteria provided, multiple submitters, no conflicts (2 of 4 stars). 2 submissions from 2 submitters: Likely benign (2). Last evaluated 2024-07-01.

Conditions:
Congenital dyserythropoietic anemia, type II (CDAN2). Also called: DYSERYTHROPOIETIC ANEMIA, HEMPAS TYPE. Identifiers: Orphanet 98873, MedGen C1306589, MONDO:0009134, OMIM 224100.
Cowden syndrome 7 (CWS7). Identifiers: Orphanet 201, MedGen C4225179, MONDO:0014802, OMIM 616858.

Allele frequency attached by ClinVar (database versions not stated): gnomAD exomes below 0.00001; gnomAD 0.00001; TOPMed 0.00001; ExAC 0.00002; ESP Exome Variant Server 0.00008.
gnomAD v4.1: 6 of 1,522,312 alleles (0.00039%); highest among the groups gnomAD compares: African/African-American, 0.0027%; no homozygotes.

Submissions (2):

CeGaT Center for Human Genetics Tuebingen
Classification: Likely benign. Last evaluated: 2024-07-01. Review status: criteria provided, single submitter. Criteria: CeGaT Center For Human Genetics Tuebingen Variant Classification Criteria Version 2. Collection method: clinical testing. Allele origin: germline. Affected: yes. Observed: 1 variant allele.
Comment: SEC23B: BP4, BP7

Labcorp Genetics (formerly Invitae), Labcorp
Classification: Likely benign for Congenital dyserythropoietic anemia, type II; Cowden syndrome 7. Last evaluated: 2023-10-08. Review status: criteria provided, single submitter. Criteria: Invitae Variant Classification Sherloc (09022015). Collection method: clinical testing. Allele origin: germline.

NM_006363.6(SEC23B):c.1734A>G (p.Leu578=)

Gene: SEC23B (SEC23 homolog B, COPII component; plus strand). Cytogenetic location: 20p11.23.
Variant type: single nucleotide variant.
Coding change: c.1734A>G on transcript NM_006363.6 (MANE Select); coding-DNA position 1734, A replaced by G.
Protein change: p.Leu578=; no amino-acid change (leucine 578 retained).
Molecular consequence: synonymous variant.
Genome position (GRCh38, 1-based): chr20:18,546,024, A>G. VCF-style: chr20-18546024-A-G. GRCh37 (hg19) VCF-style: chr20-18526668-A-G.
Other names: c.1734A>G, p.Leu578= (NM_001172745.3, NM_032985.6, NM_032986.5); c.1680A>G, p.Leu560= (NM_001172746.3).
Identifiers: ClinVar variation 2921905 (VCV002921905.20), dbSNP rs373420000, ClinGen allele CA9778470.